The following is an entry in ClinVar:

NM_001165963.4(SCN1A):c.791T>C (p.Ile264Thr)

Gene: SCN1A (sodium voltage-gated channel alpha subunit 1; minus strand). Cytogenetic location: 2q24.3.
Variant type: single nucleotide variant.
Coding change: c.791T>C on transcript NM_001165963.4 (MANE Select); coding-DNA position 791, T replaced by C.
Protein change: p.Ile264Thr; replaces isoleucine 264 with threonine.
Molecular consequence: missense variant. On other transcripts: 5 prime UTR variant (1), non-coding transcript variant (1).
Genome position (GRCh38, 1-based): chr2:166,051,892, A>G on the plus strand (T>C on the coding strand, the complement: SCN1A is on the minus strand). VCF-style: chr2-166051892-A-G. GRCh37 (hg19) VCF-style: chr2-166908402-A-G.
Other names: p.I264T:ATT>ACT; c.791T>C, p.Ile264Thr (NM_001165964.3, NM_001202435.3, NM_001353948.2 and 10 more transcripts); c.-1635T>C (NM_001353961.2); short protein forms I264T.
Identifiers: ClinVar variation 206748 (VCV000206748.18), dbSNP rs745664511, ClinGen allele CA317160.

ClinVar aggregate classification (germline): Uncertain significance. Review status: criteria provided, multiple submitters, no conflicts (2 of 4 stars). 4 submissions from 4 submitters: Uncertain significance (4). Last evaluated 2025-07-09.

Conditions:
Early-infantile DEE. Also called: Early infantile epileptic encephalopathy; Ohtahara syndrome; Early infantile epileptic encephalopathy with suppression bursts. Identifiers: Orphanet 1934, MedGen C0393706, MONDO:0800491.

Allele frequency attached by ClinVar (database versions not stated): ExAC 0.00001; gnomAD exomes 0.00002; gnomAD 0.00003; TOPMed 0.00005.
gnomAD v4.1: 29 of 1,612,564 alleles (0.0018%); highest among the groups gnomAD compares: African/African-American, 0.0053%; no homozygotes.

Submissions (4):

Labcorp Genetics (formerly Invitae), Labcorp
Classification: Uncertain significance for Early-infantile DEE. Last evaluated: 2025-07-09. Review status: criteria provided, single submitter. Criteria: Invitae Variant Classification Sherloc (09022015). Collection method: clinical testing. Allele origin: germline.
Comment: This sequence change replaces isoleucine, which is neutral and non-polar, with threonine, which is neutral and polar, at codon 264 of the SCN1A protein (p.Ile264Thr). This variant is present in population databases (rs745664511, gnomAD 0.01%). This missense change has been observed in individual(s) with SCN1A-related disease (PMID: 29655203). This missense change has been observed in at least one individual who was not affected with SCN1A-related conditions (internal data). ClinVar contains an entry for this variant (Variation ID: 206748). Invitae Evidence Modeling of protein sequence and biophysical properties (such as structural, functional, and spatial information, amino acid conservation, physicochemical variation, residue mobility, and thermodynamic stability) indicates that this missense variant is expected to disrupt SCN1A protein function with a positive predictive value of 95%. In summary, the available evidence is currently insufficient to determine the role of this variant in disease. Therefore, it has been classified as a Variant of Uncertain Significance.

GeneDx
Classification: Uncertain significance. Last evaluated: 2021-01-11. Review status: criteria provided, single submitter. Criteria: GeneDx Variant Classification Process June 2021. Collection method: clinical testing. Allele origin: germline. Affected: yes.
Comment: This substitution is predicted to be within the transmembrane segment S5 of the first homologous domain; In silico analysis supports that this missense variant has a deleterious effect on protein structure/function; Missense variants in this gene are often considered pathogenic (Stenson et al., 2014); This variant is associated with the following publications: (PMID: 29655203)

Blueprint Genetics
Classification: Uncertain significance. Last evaluated: 2017-07-19. Review status: criteria provided, single submitter. Criteria: ACMG Guidelines, 2015. Collection method: clinical testing. Allele origin: germline.

Eurofins Ntd Llc (ga)
Classification: Uncertain significance. Last evaluated: 2015-07-16. Review status: criteria provided, single submitter. Criteria: EGL Classification Definitions 2015. Collection method: clinical testing. Allele origin: germline. Observed: 1 variant allele, 1 heterozygote.

Literature cited by the submitters: PubMed 29655203 (cited by Labcorp Genetics (formerly Invitae), Labcorp).